The following is an entry in ClinVar:

NM_001330360.2(POLA1):c.404C>T (p.Thr135Ile)

Gene: POLA1 (DNA polymerase alpha 1, catalytic subunit; plus strand). Cytogenetic location: Xp22.11.
Variant type: single nucleotide variant.
Coding change: c.404C>T on transcript NM_001330360.2 (MANE Select); coding-DNA position 404, C replaced by T.
Protein change: p.Thr135Ile; replaces threonine 135 with isoleucine.
Molecular consequence: missense variant. On other transcripts: non-coding transcript variant (2).
Genome position (GRCh38, 1-based): chrX:24,714,611, C>T. VCF-style: chrX-24714611-C-T. GRCh37 (hg19) VCF-style: chrX-24732728-C-T.
Other names: c.404C>T, p.Thr135Ile (NM_001378303.1); c.386C>T, p.Thr129Ile (NM_016937.4); short protein forms T135I, T129I.
Identifiers: ClinVar variation 1473126 (VCV001473126.8), dbSNP rs2148340962, ClinGen allele CA412526833.

ClinVar aggregate classification (germline): Uncertain significance (1 of 4 stars; one submission).

Submission:

Labcorp Genetics (formerly Invitae), Labcorp
Classification: Uncertain significance. Last evaluated: 2021-07-03. Review status: criteria provided, single submitter. Criteria: Invitae Variant Classification Sherloc (09022015). Collection method: clinical testing. Allele origin: germline.
Comment: This variant is not present in population databases (ExAC no frequency). In summary, the available evidence is currently insufficient to determine the role of this variant in disease. Therefore, it has been classified as a Variant of Uncertain Significance. Algorithms developed to predict the effect of missense changes on protein structure and function are either unavailable or do not agree on the potential impact of this missense change (SIFT: "Deleterious"; PolyPhen-2: "Benign"; Align-GVGD: "Class C0"). This variant has not been reported in the literature in individuals affected with POLA1-related conditions. This sequence change replaces threonine with isoleucine at codon 129 of the POLA1 protein (p.Thr129Ile). The threonine residue is moderately conserved and there is a moderate physicochemical difference between threonine and isoleucine.